The following is an entry in ClinVar:

NM_024426.6(WT1):c.769C>T (p.Gln257Ter)

Gene: WT1 (WT1 transcription factor; minus strand). Cytogenetic location: 11p13.
Variant type: single nucleotide variant.
Coding change: c.769C>T on transcript NM_024426.6 (MANE Select); coding-DNA position 769, C replaced by T.
Protein change: p.Gln257Ter; replaces glutamine 257 with a stop codon.
Molecular consequence: nonsense. On other transcripts: non-coding transcript variant (2), intron variant (2).
Genome position (GRCh38, 1-based): chr11:32,428,512, G>A on the plus strand (C>T on the coding strand, the complement: WT1 is on the minus strand). VCF-style: chr11-32428512-G-A. GRCh37 (hg19) VCF-style: chr11-32450058-G-A.
Other names: c.769C>T, p.Gln257Ter (NM_000378.6, NM_001407044.1, NM_001407045.1 and 4 more transcripts); c.118C>T, p.Gln40Ter (NM_001198551.2, NM_001198552.2); c.7C>T, p.Gln3Ter (NM_001407051.1); c.754C>T, p.Gln252Ter (NM_024425.2); c.662-454C>T (NM_001407050.1, NM_001407047.1); short protein forms Q252*, Q257*, Q3*, Q40*.
Identifiers: ClinVar variation 2664781 (VCV002664781.1), dbSNP rs2494431103, ClinGen allele CA379963286.

ClinVar aggregate classification (germline): Pathogenic (1 of 4 stars; one submission).

Conditions:
Drash syndrome (DDS). Also called: NEPHROPATHY, WILMS TUMOR, AND GENITAL ANOMALIES; WILMS TUMOR AND PSEUDO- OR TRUE HERMAPHRODITISM. Identifiers: Orphanet 220, MedGen C0950121, MONDO:0008682, OMIM 194080.

Submission:

Genetics and Molecular Pathology, SA Pathology
Classification: Pathogenic for Drash syndrome. Last evaluated: 2023-03-23. Review status: criteria provided, single submitter. Criteria: ACMG Guidelines, 2015. Collection method: clinical testing. Allele origin: germline. Inheritance: Autosomal dominant inheritance. Affected: yes.
Comment: The WT1 c.769C>T variant is classified as Pathogenic (PVS1, PS4_supporting, PM2) The WT1 c.769C>T variant is a single nucleotide change which is predicted to result in premature termination of the protein product at codon 257 (PVS1). The variant has been reported in a germline sample from a patient with unilateral Wilms tumour (PMID:25688735) (PS4_supporting). This variant is absent from population databases (PM2). The variant has been reported as disease causing in the HGMD database (CM152297). It has not been reported in dbSNP or ClinVar. Note: this variant is also known as c.549C>T; p.(Gln184*).

Literature cited by the submitters: PubMed 25688735.